The following is an entry in ClinVar:

ClinVar aggregate classification (germline): Uncertain significance (1 of 4 stars; one submission).

Conditions:
Hereditary cancer-predisposing syndrome. Also called: Neoplastic Syndromes, Hereditary; Tumor predisposition; Hereditary Cancer Syndrome; Hereditary neoplastic syndrome. Identifiers: Orphanet 140162, MedGen C0027672, MeSH D009386, MONDO:0015356.

Submission:

Ambry Genetics
Classification: Uncertain significance for Hereditary cancer-predisposing syndrome. Last evaluated: 2025-10-16. Review status: criteria provided, single submitter. Criteria: Ambry Variant Classification Scheme 2023. Collection method: clinical testing. Allele origin: germline.
Comment: The p.V340A variant (also known as c.1019T>C), located in coding exon 11 of the CDC73 gene, results from a T to C substitution at nucleotide position 1019. The valine at codon 340 is replaced by alanine, an amino acid with similar properties. This amino acid position is conserved. In addition, the in silico prediction for this alteration is inconclusive. Based on the available evidence, the clinical significance of this variant remains unclear.

NM_024529.5(CDC73):c.1019T>C (p.Val340Ala)

Gene: CDC73 (cell division cycle 73; plus strand). Cytogenetic location: 1q31.2.
Variant type: single nucleotide variant.
Coding change: c.1019T>C on transcript NM_024529.5 (MANE Select); coding-DNA position 1019, T replaced by C.
Protein change: p.Val340Ala; replaces valine 340 with alanine.
Molecular consequence: missense variant.
Genome position (GRCh38, 1-based): chr1:193,203,841, T>C. VCF-style: chr1-193203841-T-C. GRCh37 (hg19) VCF-style: chr1-193172971-T-C.
Other names: short protein forms V340A.
Identifiers: ClinVar variation 4631570 (VCV004631570.1).